The following is an entry in ClinVar:

NM_001286.5(CLCN6):c.1780G>A (p.Val594Met)

Gene: CLCN6 (chloride voltage-gated channel 6; plus strand). Cytogenetic location: 1p36.22.
Variant type: single nucleotide variant.
Coding change: c.1780G>A on transcript NM_001286.5 (MANE Select); coding-DNA position 1780, G replaced by A.
Protein change: p.Val594Met; replaces valine 594 with methionine.
Molecular consequence: missense variant. On other transcripts: non-coding transcript variant (1).
Genome position (GRCh38, 1-based): chr1:11,834,577, G>A. VCF-style: chr1-11834577-G-A. GRCh37 (hg19) VCF-style: chr1-11894634-G-A.
Other names: c.1714G>A, p.Val572Met (NM_001256959.2); short protein forms V572M, V594M.
Identifiers: ClinVar variation 1506856 (VCV001506856.8), dbSNP rs760972839, ClinGen allele CA596606.
Genomic context (GRCh38, chr1:11,834,577, plus strand): 5'-GGCATTTATGATATCCACGTGGGCCTGCGAGGCGTGCCGCTTCTGGAATGGGAGACAGAG[G>A]TGGAAATGGACAAGTAAGGCCATGATTTTGCTCATGTCCTAGTTTCAGAATGTATAAGCT-3'
Protein context (NP_001277.2, residues 584-604): GVPLLEWETE[Val594Met]EMDKLRASDI

ClinVar aggregate classification (germline): Uncertain significance (1 of 4 stars; one submission).

Allele frequency attached by ClinVar (database versions not stated): gnomAD exomes below 0.00001 and 0.00001; ExAC 0.00001; gnomAD 0.00002 and 0.00003; TOPMed 0.00003.
gnomAD v4.1: 8 of 1,613,878 alleles (0.0005%); highest among the groups gnomAD compares: Admixed American, 0.0017%; no homozygotes.

Submission:

Labcorp Genetics (formerly Invitae), Labcorp
Classification: Uncertain significance. Last evaluated: 2025-04-08. Review status: criteria provided, single submitter. Criteria: Invitae Variant Classification Sherloc (09022015). Collection method: clinical testing. Allele origin: germline.
Comment: This sequence change replaces valine, which is neutral and non-polar, with methionine, which is neutral and non-polar, at codon 594 of the CLCN6 protein (p.Val594Met). This variant is present in population databases (rs760972839, gnomAD 0.007%). This variant has not been reported in the literature in individuals affected with CLCN6-related conditions. ClinVar contains an entry for this variant (Variation ID: 1506856). An algorithm developed to predict the effect of missense changes on protein structure and function (PolyPhen-2) suggests that this variant is likely to be disruptive. In summary, the available evidence is currently insufficient to determine the role of this variant in disease. Therefore, it has been classified as a Variant of Uncertain Significance.